The following is an entry in ClinVar:

ClinVar aggregate classification (germline): Uncertain significance (1 of 4 stars; one submission).

Conditions:
Charcot-Marie-Tooth disease type 2. Also called: Charcot-Marie-Tooth type 2. Identifiers: Orphanet 64746, MedGen C0270914, MONDO:0018993.

gnomAD v4.1: 2 of 1,587,468 alleles (0.00013%); highest among the groups gnomAD compares: Non-Finnish European, 0.00017%; no homozygotes.

Submission:

Labcorp Genetics (formerly Invitae), Labcorp
Classification: Uncertain significance for Charcot-Marie-Tooth disease type 2. Last evaluated: 2023-10-17. Review status: criteria provided, single submitter. Criteria: Invitae Variant Classification Sherloc (09022015). Collection method: clinical testing. Allele origin: germline.
Comment: This sequence change replaces alanine, which is neutral and non-polar, with valine, which is neutral and non-polar, at codon 16 of the LMNA protein (p.Ala16Val). The frequency data for this variant in the population databases is considered unreliable, as metrics indicate poor data quality at this position in the gnomAD database. This variant has not been reported in the literature in individuals affected with LMNA-related conditions. Advanced modeling of protein sequence and biophysical properties (such as structural, functional, and spatial information, amino acid conservation, physicochemical variation, residue mobility, and thermodynamic stability) performed at Invitae indicates that this missense variant is expected to disrupt LMNA protein function. In summary, the available evidence is currently insufficient to determine the role of this variant in disease. Therefore, it has been classified as a Variant of Uncertain Significance.

NM_170707.4(LMNA):c.47C>T (p.Ala16Val)

Genes: LMNA (lamin A/C; plus strand), LOC129931597 (ATAC-STARR-seq lymphoblastoid silent region 1421; plus strand). Cytogenetic location: 1q22.
Variant type: single nucleotide variant.
Coding change: c.47C>T on transcript NM_170707.4 (MANE Select); coding-DNA position 47, C replaced by T.
Protein change: p.Ala16Val; replaces alanine 16 with valine.
Molecular consequence: missense variant. On other transcripts: 5 prime UTR variant (8), intron variant (2).
Genome position (GRCh38, 1-based): chr1:156,114,965, C>T. VCF-style: chr1-156114965-C-T. GRCh37 (hg19) VCF-style: chr1-156084756-C-T.
Other names: c.47C>T, p.Ala16Val (NM_001282625.2, NM_001282626.2, NM_001406983.1 and 6 more transcripts); c.-377C>T (NM_001406986.1); c.-355C>T (NM_001406990.1, NM_001406995.1, NM_001407002.1); c.-618C>T (NM_001406994.1, NM_001407000.1); c.-798C>T (NM_001406999.1); c.-461C>T (NM_001407001.1); c.-203+8142C>T (NM_001406993.1, NM_001407003.1); short protein forms A16V.
Identifiers: ClinVar variation 2843506 (VCV002843506.3), dbSNP rs770799870, ClinGen allele CA342807040.